The following is an entry in ClinVar:

NM_000535.7(PMS2):c.830C>A (p.Thr277Lys)

Gene: PMS2 (PMS1 homolog 2, mismatch repair system component; minus strand). Cytogenetic location: 7p22.1.
Variant type: single nucleotide variant.
Coding change: c.830C>A on transcript NM_000535.7 (MANE Select); coding-DNA position 830, C replaced by A.
Protein change: p.Thr277Lys; replaces threonine 277 with lysine.
Molecular consequence: missense variant. On other transcripts: 5 prime UTR variant (2), non-coding transcript variant (1).
Genome position (GRCh38, 1-based): chr7:5,995,607, G>T on the plus strand (C>A on the coding strand, the complement: PMS2 is on the minus strand). VCF-style: chr7-5995607-G-T. GRCh37 (hg19) VCF-style: chr7-6035238-G-T.
Other names: p.T277K:ACG>AAG; c.425C>A, p.Thr142Lys (NM_001322003.2, NM_001322004.2, NM_001322005.2 and 2 more transcripts); c.830C>A, p.Thr277Lys (NM_001322006.2, NM_001322014.2); c.512C>A, p.Thr171Lys (NM_001322007.2, NM_001322008.2); c.-104C>A (NM_001322011.2, NM_001322012.2); c.257C>A, p.Thr86Lys (NM_001322013.2); c.521C>A, p.Thr174Lys (NM_001322015.2); short protein forms T277K, T142K, T174K, T171K, T86K.
Identifiers: ClinVar variation 135946 (VCV000135946.57), dbSNP rs1805322, ClinGen allele CA012968.

ClinVar aggregate classification (germline): Conflicting classifications of pathogenicity. Review status: criteria provided, conflicting classifications (1 of 4 stars). 21 submissions from 21 submitters: Uncertain significance (2); Benign (10); Likely benign (8). 1 of the submissions does not count toward it. Last evaluated 2026-08-01.

Conditions:
Hereditary nonpolyposis colorectal neoplasms. Identifiers: MedGen C0009405, MeSH D003123.
Mismatch repair cancer syndrome 4. Identifiers: MedGen C5436817, MONDO:0030843, OMIM 619101.
Breast and/or ovarian cancer. Identifiers: MedGen CN221562.
Hereditary cancer-predisposing syndrome. Also called: Neoplastic Syndromes, Hereditary; Tumor predisposition; Hereditary neoplastic syndrome; Hereditary Cancer Syndrome. Identifiers: Orphanet 140162, MedGen C0027672, MeSH D009386, MONDO:0015356.
Lynch syndrome. Identifiers: Orphanet 144, MedGen C4552100, MONDO:0005835. Disease mechanism: loss of function.
Lynch syndrome 4 (LYNCH4). Also called: Colorectal cancer, hereditary nonpolyposis, type 4; Hereditary non-polyposis colorectal cancer, type 4. Identifiers: Orphanet 144, MedGen C1838333, MONDO:0013699, OMIM 614337. Disease mechanism: loss of function.

Allele frequency attached by ClinVar (database versions not stated): 1000 Genomes Project 30x 0.00031; 1000 Genomes Project 0.00040; TOPMed 0.00127; ESP Exome Variant Server 0.00138.
gnomAD v4.1: 385 of 1,613,328 alleles (0.024%); highest among the groups gnomAD compares: African/African-American, 0.45%; 1 homozygote.

Submissions (21):

CeGaT Center for Human Genetics Tuebingen
Classification: Likely benign. Last evaluated: 2026-08-01. Review status: criteria provided, single submitter. Criteria: CeGaT Center For Human Genetics Tuebingen Variant Classification Criteria Version 2. Collection method: clinical testing. Allele origin: germline. Affected: yes. Observed: 2 variant alleles.
Comment: PMS2: BP4, BS1

Labcorp Genetics (formerly Invitae), Labcorp
Classification: Benign for Hereditary nonpolyposis colorectal neoplasms. Last evaluated: 2026-01-26. Review status: criteria provided, single submitter. Criteria: Invitae Variant Classification Sherloc (09022015). Collection method: clinical testing. Allele origin: germline.

Dasa
Classification: Benign. Last evaluated: 2025-12-18. Review status: criteria provided, single submitter. Criteria: DASA Assertion Criteria. Collection method: clinical testing. Allele origin: germline.
Comment: NM_000535.7(PMS2):c.830C>A (p.Thr277Lys) is interpreted as benign based on a combination of available evidence, including population frequency. Based on the available data, this variant is classified as benign.

Mayo Clinic Laboratories, Mayo Clinic
Classification: Benign. Last evaluated: 2025-08-22. Review status: criteria provided, single submitter. Criteria: ACMG Guidelines, 2015. Collection method: clinical testing. Allele origin: germline. Observed: 2 variant alleles.
Comment: BA1, BP4

Center for Genomic Medicine, Rigshospitalet, Copenhagen University Hospital
Classification: Benign. Last evaluated: 2025-03-04. Review status: criteria provided, single submitter. Criteria: ACMG Guidelines, 2015. Collection method: clinical testing. Allele origin: germline.

Myriad Genetics, Inc.
Classification: Benign for Lynch syndrome 4. Last evaluated: 2025-01-28. Review status: criteria provided, single submitter. Criteria: Myriad Autosomal Dominant, Autosomal Recessive and X-Linked Classification Criteria (2023). Collection method: clinical testing. Allele origin: unknown.
Comment: This variant is considered benign. This variant has been observed at a population frequency that is significantly greater than expected given the associated disease prevalence and penetrance. This variant has been observed in trans with a known pathogenic variant in one or more individuals lacking clinical features consistent with gene-specific recessive disease.

Blueprint Genetics
Classification: Likely benign. Last evaluated: 2024-11-01. Review status: criteria provided, single submitter. Criteria: ACMG Guidelines, 2015. Collection method: clinical testing. Allele origin: germline.

Department of Pathology and Laboratory Medicine, Sinai Health System
Classification: Benign for Lynch syndrome. Last evaluated: 2024-09-24. Review status: criteria provided, single submitter. Criteria: ACMG Guidelines, 2015. Collection method: clinical testing. Allele origin: germline. Affected: yes.

All of Us Research Program, National Institutes of Health
Classification: Likely benign for Lynch syndrome. Last evaluated: 2024-09-23. Review status: criteria provided, single submitter. Criteria: ACMG Guidelines, 2015. Collection method: clinical testing. Allele origin: germline. Inheritance: Autosomal dominant inheritance. Observed: 116 variant alleles, 116 heterozygotes.
Comment: This study involves interpretation of variants in research participants for the purpose of population health screening. Participant phenotype was not available at the time of variant classification. Additional details can be found in publication PMID: 35346344, PMCID: PMC8962531

Institute for Biomarker Research, Medical Diagnostic Laboratories, L.L.C.
Classification: Benign for Hereditary cancer-predisposing syndrome. Last evaluated: 2024-08-20. Review status: criteria provided, single submitter. Criteria: ACMG Guidelines, 2015. Collection method: clinical testing. Allele origin: germline.
Comment: The variant is observed in one or more well-documented healthy adults. The p.Thr277Lys variant is observed in 68/16,248 (0.4185%) alleles from individuals of gnomAD African background in gnomAD, which is greater than expected for the disorder. There is a moderate physicochemical difference between threonine and lysine. For these reasons, this variant has been classified as Benign.

Genomic Medicine Center of Excellence, King Faisal Specialist Hospital and Research Centre
Classification: Likely benign for Mismatch repair cancer syndrome 4. Last evaluated: 2024-03-29. Review status: criteria provided, single submitter. Criteria: ACMG Guidelines, 2015. Collection method: clinical testing. Allele origin: germline.

ARUP Laboratories, Molecular Genetics and Genomics, ARUP Laboratories
Classification: Uncertain significance. Last evaluated: 2022-12-28. Review status: criteria provided, single submitter. Criteria: ARUP Molecular Germline Variant Investigation Process 2024. Collection method: clinical testing. Allele origin: germline.
Comment: The PMS2 c.830C>A; p.Thr277Lys variant (rs1805322) is reported as benign/likely benign by multiple laboratories in ClinVar (Variation ID: 135946). This variant is found in the African population with an allele frequency of 0.5% (114/24962 alleles) in the Genome Aggregation Database. The threonine at codon 277 is weakly conserved, and computational analyses are uncertain whether this variant is neutral or deleterious (REVEL: 0.251). Although the evidence suggests this variant may be likely benign, there is currently insufficient information to classify with certainty. Therefore, based on available information, the clinical significance of this variant is uncertain at this time.

CHEO Genetics Diagnostic Laboratory, Children's Hospital of Eastern Ontario
Classification: Likely benign for Breast and/or ovarian cancer. Last evaluated: 2022-11-22. Review status: criteria provided, single submitter. Criteria: ACMG Guidelines, 2015. Collection method: clinical testing. Allele origin: germline.

Genetic Services Laboratory, University of Chicago
Classification: Likely benign. Last evaluated: 2021-02-15. Review status: criteria provided, single submitter. Criteria: ACMG Guidelines, 2015. Collection method: clinical testing. Allele origin: germline. Affected: no.

Sema4
Classification: Benign for Hereditary cancer-predisposing syndrome. Last evaluated: 2020-12-03. Review status: criteria provided, single submitter. Criteria: Sema4 Curation Guidelines. Collection method: curation. Allele origin: germline.

GeneDx
Classification: Likely benign. Last evaluated: 2020-09-23. Review status: criteria provided, single submitter. Criteria: GeneDx Variant Classification Process June 2021. Collection method: clinical testing. Allele origin: germline. Affected: yes.
Comment: This variant is associated with the following publications: (PMID: 25372392, 21153778, 22949387)

Women's Health and Genetics/Laboratory Corporation of America, LabCorp
Classification: Benign. Last evaluated: 2016-02-01. Review status: criteria provided, single submitter. Criteria: LabCorp Variant Classification Summary - May 2015. Collection method: clinical testing. Allele origin: germline.
Comment: Variant summary: The c.830C>A variant affects a conserved nucleotide, resulting in amino acid change from Thr to Lys. 3/4 in-silico tools predict this variant to be benign (SNPs&GO not captured due to low reliability index). 4/5 programs in Alamut predict that this variant does not affect normal splicing. ESE finder predicts that this variant may affect multiple ESE sites. However, these predictions are not confirmed by experimental studies. Sequence comparison suggests exon 8 does not match to any pseudogene region with high homology. This variant is found predominantly in African population at a frequency of 0.0045 (46/10332), which is about 39 times of maximal expected frequency of a pathogenic allele (0.0001136), suggesting this variant is benign. In addition, multiple clinical laboratories/literature classified this variant as benign. Taken together, this variant was classified as benign.

Color Diagnostics, LLC DBA Color Health
Classification: Likely benign for Hereditary cancer-predisposing syndrome. Last evaluated: 2015-09-23. Review status: criteria provided, single submitter. Criteria: ACMG Guidelines, 2015. Collection method: clinical testing. Allele origin: germline.

Eurofins Ntd Llc (ga)
Classification: Uncertain significance. Last evaluated: 2015-09-11. Review status: criteria provided, single submitter. Criteria: EGL Classification Definitions 2015. Collection method: clinical testing. Allele origin: germline. Observed: 1 variant allele, 1 heterozygote.

Ambry Genetics
Classification: Benign for Hereditary cancer-predisposing syndrome. Last evaluated: 2014-11-18. Review status: criteria provided, single submitter. Criteria: Ambry Variant Classification Scheme 2023. Collection method: clinical testing. Allele origin: germline.

True Health Diagnostics
Classification: Likely benign for Hereditary cancer-predisposing syndrome. Last evaluated: 2017-09-29. Review status: no assertion criteria provided. Collection method: clinical testing. Allele origin: germline. Not counted in ClinVar's aggregate classification.

Literature cited by the submitters: PubMed 22949387 (cited by Women's Health and Genetics/Laboratory Corporation of America, LabCorp); PubMed 17417778 (cited by Women's Health and Genetics/Laboratory Corporation of America, LabCorp).